The following is an entry in ClinVar:

NM_024529.5(CDC73):c.298G>A (p.Gly100Ser)

Gene: CDC73 (cell division cycle 73; plus strand). Cytogenetic location: 1q31.2.
Variant type: single nucleotide variant.
Coding change: c.298G>A on transcript NM_024529.5 (MANE Select); coding-DNA position 298, G replaced by A.
Protein change: p.Gly100Ser; replaces glycine 100 with serine.
Molecular consequence: missense variant.
Genome position (GRCh38, 1-based): chr1:193,130,234, G>A. VCF-style: chr1-193130234-G-A. GRCh37 (hg19) VCF-style: chr1-193099364-G-A.
Other names: short protein forms G100S.
Identifiers: ClinVar variation 1798502 (VCV001798502.4), dbSNP rs2527300402, ClinGen allele CA343973400.
Genomic context (GRCh38, chr1:193,130,234, plus strand): 5'-ACTGAAAATATTCCTGTGGTTAGAAGACCTGATCGAAAAGATCTACTTGGATATCTCAAT[G>A]GTGAAGCGTGTGAGTACTTTTTAAATTGTTCCCAGTCTTAAACAGACATTGTTTCTTTTT-3'
Protein context (NP_078805.3, residues 90-110): DRKDLLGYLN[Gly100Ser]EASTSASIDR

ClinVar aggregate classification (germline): Uncertain significance. Review status: criteria provided, multiple submitters, no conflicts (2 of 4 stars). 2 submissions from 2 submitters: Uncertain significance (2). Last evaluated 2023-05-31.

Conditions:
Hereditary cancer-predisposing syndrome. Also called: Neoplastic Syndromes, Hereditary; Tumor predisposition; Hereditary Cancer Syndrome; Hereditary neoplastic syndrome. Identifiers: Orphanet 140162, MedGen C0027672, MeSH D009386, MONDO:0015356.
Hyperparathyroidism 1 (HRPT1). Also called: HYPERPARATHYROIDISM, FAMILIAL ISOLATED PRIMARY. Identifiers: Orphanet 99879, MedGen C1840402, MONDO:0007767, OMIM 145000.

Allele frequency attached by ClinVar (database versions not stated): gnomAD exomes below 0.00001.
gnomAD v4.1: 1 of 1,575,076 alleles (0.000063%); highest among the groups gnomAD compares: Non-Finnish European, 0.000087%; no homozygotes.

Submissions (2):

Baylor Genetics
Classification: Uncertain significance for Hyperparathyroidism 1. Last evaluated: 2023-05-31. Review status: criteria provided, single submitter. Criteria: ACMG Guidelines, 2015. Collection method: clinical testing. Allele origin: unknown.

Ambry Genetics
Classification: Uncertain significance for Hereditary cancer-predisposing syndrome. Last evaluated: 2022-04-19. Review status: criteria provided, single submitter. Criteria: Ambry Variant Classification Scheme 2023. Collection method: clinical testing. Allele origin: germline.
Comment: The p.G100S variant (also known as c.298G>A), located in coding exon 3 of the CDC73 gene, results from a G to A substitution at nucleotide position 298. The glycine at codon 100 is replaced by serine, an amino acid with similar properties. This amino acid position is conserved. In addition, the in silico prediction for this alteration is inconclusive. Since supporting evidence is limited at this time, the clinical significance of this alteration remains unclear.